The following is an entry in ClinVar:

NM_004168.4(SDHA):c.1366T>G (p.Ser456Ala)

Gene: SDHA (succinate dehydrogenase complex flavoprotein subunit A; plus strand). Cytogenetic location: 5p15.33.
Variant type: single nucleotide variant.
Coding change: c.1366T>G on transcript NM_004168.4 (MANE Select); coding-DNA position 1366, T replaced by G.
Protein change: p.Ser456Ala; replaces serine 456 with alanine.
Molecular consequence: missense variant.
Genome position (GRCh38, 1-based): chr5:236,533, T>G. VCF-style: chr5-236533-T-G. GRCh37 (hg19) VCF-style: chr5-236648-T-G.
Other names: c.1222T>G, p.Ser408Ala (NM_001294332.2); c.1366T>G, p.Ser456Ala (NM_001330758.2); c.1366T>G (NM_004168.2); short protein forms S456A, S408A.
Identifiers: ClinVar variation 1950018 (VCV001950018.6), dbSNP rs2477376162, ClinGen allele CA359014010.
Genomic context (GRCh38, chr5:236,533, plus strand): 5'-TACGCCTGTGGGGAGGCCGCCTGTGCCTCGGTACATGGTGCCAACCGCCTCGGGGCAAAC[T>G]CGCTCTTGGACCTGGTTGTCTTTGGTCGGGCATGTGCCCTGAGCATCGAAGAGTCATGCA-3'
Protein context (NP_004159.2, residues 446-466): VHGANRLGAN[Ser456Ala]LLDLVVFGRA

ClinVar aggregate classification (germline): Uncertain significance. Review status: criteria provided, multiple submitters, no conflicts (2 of 4 stars). 2 submissions from 2 submitters: Uncertain significance (2). Last evaluated 2025-05-05.

Conditions:
Mitochondrial complex II deficiency, nuclear type 1. Also called: SUCCINATE CoQ REDUCTASE DEFICIENCY. Identifiers: Orphanet 3208, MedGen C5700310, MONDO:0100294, OMIM 252011.
Pheochromocytoma/paraganglioma syndrome 5. Also called: Paragangliomas 5; SDHA-Related Hereditary Paraganglioma-Pheochromocytoma Syndrome. Identifiers: Orphanet 29072, MedGen C3279992, MONDO:0013602, OMIM 614165.
Hereditary cancer-predisposing syndrome. Also called: Tumor predisposition; Hereditary Cancer Syndrome; Hereditary neoplastic syndrome; Neoplastic Syndromes, Hereditary. Identifiers: Orphanet 140162, MedGen C0027672, MeSH D009386, MONDO:0015356.

Allele frequency attached by ClinVar (database versions not stated): gnomAD exomes below 0.00001.
gnomAD v4.1: 4 of 1,614,058 alleles (0.00025%); highest among the groups gnomAD compares: Non-Finnish European, 0.00017%; no homozygotes.

Submissions (2):

Ambry Genetics
Classification: Uncertain significance for Hereditary cancer-predisposing syndrome. Last evaluated: 2025-05-05. Review status: criteria provided, single submitter. Criteria: Ambry Variant Classification Scheme 2023. Collection method: clinical testing. Allele origin: germline.
Comment: The p.S456A variant (also known as c.1366T>G), located in coding exon 10 of the SDHA gene, results from a T to G substitution at nucleotide position 1366. The serine at codon 456 is replaced by alanine, an amino acid with similar properties. This amino acid position is conserved. In addition, this alteration is predicted to be deleterious by in silico analysis. Based on the available evidence, the clinical significance of this variant remains unclear.

Labcorp Genetics (formerly Invitae), Labcorp
Classification: Uncertain significance for Pheochromocytoma/paraganglioma syndrome 5; Mitochondrial complex II deficiency, nuclear type 1. Last evaluated: 2022-11-23. Review status: criteria provided, single submitter. Criteria: Invitae Variant Classification Sherloc (09022015). Collection method: clinical testing. Allele origin: germline.
Comment: This variant is not present in population databases (gnomAD no frequency). This sequence change replaces serine, which is neutral and polar, with alanine, which is neutral and non-polar, at codon 456 of the SDHA protein (p.Ser456Ala). This variant has not been reported in the literature in individuals affected with SDHA-related conditions. In summary, the available evidence is currently insufficient to determine the role of this variant in disease. Therefore, it has been classified as a Variant of Uncertain Significance. Advanced modeling of protein sequence and biophysical properties (such as structural, functional, and spatial information, amino acid conservation, physicochemical variation, residue mobility, and thermodynamic stability) has been performed at Invitae for this missense variant, however the output from this modeling did not meet the statistical confidence thresholds required to predict the impact of this variant on SDHA protein function.